The following is an entry in ClinVar:

ClinVar aggregate classification (germline): Uncertain significance. Review status: criteria provided, multiple submitters, no conflicts (2 of 4 stars). 2 submissions from 2 submitters: Uncertain significance (2). Last evaluated 2019-09-24.

Conditions:
Familial thoracic aortic aneurysm and aortic dissection (TAAD). Also called: Thoracic aortic aneurysms and dissections. Identifiers: Orphanet 91387, MedGen C4707243, MONDO:0019625.
Congenital contractural arachnodactyly (CCA). Also called: BEALS SYNDROME; Arthrogryposis, distal, type 9; Beals-Hecht syndrome. Identifiers: Orphanet 115, MedGen C0220668, MONDO:0007363, OMIM 121050.

Submissions (2):

Labcorp Genetics (formerly Invitae), Labcorp
Classification: Uncertain significance for Congenital contractural arachnodactyly. Last evaluated: 2019-09-24. Review status: criteria provided, single submitter. Criteria: Invitae Variant Classification Sherloc (09022015). Collection method: clinical testing. Allele origin: germline.
Comment: In summary, this variant is a novel missense change with uncertain impact on protein function. It has been classified as a Variant of Uncertain Significance. This variant affects a cysteine residue located within an epidermal growth factor (EGF)–like domain of the FBN2 protein. Cysteine residues in these domains are involved in the formation of disulfide bridges critical for protein structure and stability (PMID: 3495735, 4750422, 16677079). In addition, missense substitutions within the FBN2 EGF-like domains affecting cysteine residues are overrepresented in patients with congenital contractural arachnodactyly (PMID: 18767143). Algorithms developed to predict the effect of missense changes on protein structure and function do not agree on the potential impact of this missense change (SIFT: "Deleterious"; PolyPhen-2: "Probably Damaging"; Align-GVGD: "Class C0"). This variant is not present in population databases (ExAC no frequency) and has not been reported in the literature in individuals with a FBN2-related disease. This sequence change replaces cysteine with phenylalanine at codon 615 of the FBN2 protein (p.Cys615Phe). The cysteine residue is highly conserved and there is a large physicochemical difference between cysteine and phenylalanine.

Ambry Genetics
Classification: Uncertain significance for Familial thoracic aortic aneurysm and aortic dissection. Last evaluated: 2016-09-08. Review status: criteria provided, single submitter. Criteria: Ambry Variant Classification Scheme 2023. Collection method: clinical testing. Allele origin: germline.
Comment: The p.C615F variant (also known as c.1844G>T), located in coding exon 13 of the FBN2 gene, results from a G to T substitution at nucleotide position 1844. The cysteine at codon 615 is replaced by phenylalanine, an amino acid with highly dissimilar properties, and is located in the cb EGF-like # #06 domain. In one study, 13 of 14 reported FBN2 mutations were found in the middle region of the gene (exons 24-36), and 7 of these mutations were noted to alter or produce a cysteine residue (Callewaert BL et al. Hum Mutat. 2009;30(3):334-341). This variant was not reported in population based cohorts in the following databases: Database of Single Nucleotide Polymorphisms (dbSNP), NHLBI Exome Sequencing Project (ESP), and 1000 Genomes Project. In the ESP, this variant was not observed in 6503 samples (13006 alleles) with coverage at this position. This amino acid position is highly conserved in available vertebrate species. In addition, this alteration is predicted to be deleterious by in silico analysis. Since supporting evidence is limited at this time, the clinical significance of this alteration remains unclear.

Literature cited by the submitters: PubMed 3495735 (cited by Labcorp Genetics (formerly Invitae), Labcorp); PubMed 4750422 (cited by Labcorp Genetics (formerly Invitae), Labcorp); PubMed 16677079 (cited by Labcorp Genetics (formerly Invitae), Labcorp); PubMed 18767143 (cited by Labcorp Genetics (formerly Invitae), Labcorp).

NM_001999.4(FBN2):c.1844G>T (p.Cys615Phe)

Gene: FBN2 (fibrillin 2; minus strand). Cytogenetic location: 5q23.3.
Variant type: single nucleotide variant.
Coding change: c.1844G>T on transcript NM_001999.4 (MANE Select); coding-DNA position 1844, G replaced by T.
Protein change: p.Cys615Phe; replaces cysteine 615 with phenylalanine.
Molecular consequence: missense variant.
Genome position (GRCh38, 1-based): chr5:128,377,757, C>A on the plus strand (G>T on the coding strand, the complement: FBN2 is on the minus strand). VCF-style: chr5-128377757-C-A. GRCh37 (hg19) VCF-style: chr5-127713450-C-A.
Other names: short protein forms C615F.
Identifiers: ClinVar variation 411829 (VCV000411829.13), dbSNP rs1060503507, ClinGen allele CA16611903.